The following is an entry in ClinVar:

ClinVar aggregate classification (germline): Pathogenic. Review status: criteria provided, multiple submitters, no conflicts (2 of 4 stars). 3 submissions from 3 submitters: Pathogenic (2). 1 of the submissions does not count toward it. Last evaluated 2023-01-18.

Conditions:
Neuronal ceroid lipofuscinosis 1 (CLN1). Also called: CEROID LIPOFUSCINOSIS, NEURONAL, 1, VARIABLE AGE AT ONSET; PPT1-Related Neuronal Ceroid-Lipofuscinosis. Identifiers: Orphanet 228329, MedGen C1850451, MONDO:0009744, OMIM 256730.

Submissions (3):

Baylor Genetics
Classification: Pathogenic for Neuronal ceroid lipofuscinosis 1. Last evaluated: 2023-01-18. Review status: criteria provided, single submitter. Criteria: ACMG Guidelines, 2015. Collection method: clinical testing. Allele origin: unknown.

Labcorp Genetics (formerly Invitae), Labcorp
Classification: Pathogenic for Neuronal ceroid lipofuscinosis 1. Last evaluated: 2022-10-28. Review status: criteria provided, single submitter. Criteria: Invitae Variant Classification Sherloc (09022015). Collection method: clinical testing. Allele origin: germline.
Comment: This sequence change affects a donor splice site in intron 8 of the PPT1 gene. While this variant is not anticipated to result in nonsense mediated decay, it likely alters RNA splicing and results in a disrupted protein product. This variant is not present in population databases (gnomAD no frequency). Disruption of this splice site has been observed in individual(s) with neuronal ceroid lipofuscinosis (PMID: 24997880; Invitae). In at least one individual the data is consistent with being in trans (on the opposite chromosome) from a pathogenic variant. ClinVar contains an entry for this variant (Variation ID: 558381). Variants that disrupt the consensus splice site are a relatively common cause of aberrant splicing (PMID: 17576681, 9536098). Algorithms developed to predict the effect of sequence changes on RNA splicing suggest that this variant may disrupt the consensus splice site. For these reasons, this variant has been classified as Pathogenic.

Counsyl
Classification: Likely pathogenic for Neuronal ceroid lipofuscinosis 1. Last evaluated: 2018-05-17. Review status: no assertion criteria provided. Collection method: clinical testing. Allele origin: unknown. Not counted in ClinVar's aggregate classification.

Literature cited by the submitters: PubMed 24997880 (cited by Labcorp Genetics (formerly Invitae), Labcorp and Counsyl); PubMed 17576681 (cited by Labcorp Genetics (formerly Invitae), Labcorp); PubMed 9536098 (cited by Labcorp Genetics (formerly Invitae), Labcorp).

NM_000310.4(PPT1):c.798+2T>C

Gene: PPT1 (palmitoyl-protein thioesterase 1; minus strand). Cytogenetic location: 1p34.2.
Variant type: single nucleotide variant.
Coding change: c.798+2T>C on transcript NM_000310.4 (MANE Select); the canonical splice donor site of the intron after coding-DNA position 798, T replaced by C.
Molecular consequence: splice donor variant. On other transcripts: intron variant (1).
Genome position (GRCh38, 1-based): chr1:40,076,840, A>G on the plus strand (T>C on the coding strand, the complement: PPT1 is on the minus strand). VCF-style: chr1-40076840-A-G. GRCh37 (hg19) VCF-style: chr1-40542512-A-G.
Other names: c.489+2T>C (NM_001142604.2); c.726+1720T>C (NM_001363695.2).
Identifiers: ClinVar variation 558381 (VCV000558381.5), dbSNP rs1553166337, ClinGen allele CA339846346.
Genomic context (GRCh38, chr1:40,076,840, plus strand): 5'-AGCTTCAGGAACTGGGAGCTGAAAAAACACCAACCTCCCAAGATAGACTCCCTGCCAGTT[A>G]CCTGTGTGTACAGGGAGGTCTCCTGTAAGGGAATGGTTTCCTTGGCTTGGCCACTTCTGT-3'